The following is an entry in ClinVar:

ClinVar aggregate classification (germline): Uncertain significance (1 of 4 stars; one submission).

Conditions:
Cardiovascular phenotype. Identifiers: MedGen CN230736.

Allele frequency attached by ClinVar (database versions not stated): gnomAD exomes below 0.00001; ExAC 0.00001.

Submission:

Ambry Genetics
Classification: Uncertain significance for Cardiovascular phenotype. Last evaluated: 2021-12-16. Review status: criteria provided, single submitter. Criteria: Ambry Variant Classification Scheme 2023. Collection method: clinical testing. Allele origin: germline.
Comment: The p.K3181Q variant (also known as c.9541A>C), located in coding exon 26 of the APOB gene, results from an A to C substitution at nucleotide position 9541. The lysine at codon 3181 is replaced by glutamine, an amino acid with similar properties. This amino acid position is conserved. In addition, this alteration is predicted to be tolerated by in silico analysis. Since supporting evidence is limited at this time, the clinical significance of this alteration remains unclear.

NM_000384.3(APOB):c.9541A>C (p.Lys3181Gln)

Gene: APOB (apolipoprotein B; minus strand). Cytogenetic location: 2p24.1.
Variant type: single nucleotide variant.
Coding change: c.9541A>C on transcript NM_000384.3 (MANE Select); coding-DNA position 9541, A replaced by C.
Protein change: p.Lys3181Gln; replaces lysine 3181 with glutamine.
Molecular consequence: missense variant.
Genome position (GRCh38, 1-based): chr2:21,007,327, T>G on the plus strand (A>C on the coding strand, the complement: APOB is on the minus strand). VCF-style: chr2-21007327-T-G. GRCh37 (hg19) VCF-style: chr2-21230199-T-G.
Other names: short protein forms K3181Q.
Identifiers: ClinVar variation 927818 (VCV000927818.5), dbSNP rs774329033, ClinGen allele CA066645.
Genomic context (GRCh38, chr2:21,007,327, plus strand): 5'-TGCTCTGACTGATAAACTCACAAAGCACAGCCAAAGGATTTGTGATGGAATGCCTGTGTT[T>G]GTTTTTCTTATACTGAGCTTTTACACTTAAATCAAATGATTGCTTTGTCGTTTTCAAGAA-3'
Protein context (NP_000375.3, residues 3171-3191): LSVKAQYKKN[Lys3181Gln]HRHSITNPLA